The following is an entry in ClinVar:

NM_004415.4(DSP):c.3790A>T (p.Thr1264Ser)

Gene: DSP (desmoplakin; plus strand). Cytogenetic location: 6p24.3.
Variant type: single nucleotide variant.
Coding change: c.3790A>T on transcript NM_004415.4 (MANE Select); coding-DNA position 3790, A replaced by T.
Protein change: p.Thr1264Ser; replaces threonine 1264 with serine.
Molecular consequence: missense variant. On other transcripts: intron variant (1).
Genome position (GRCh38, 1-based): chr6:7,579,980, A>T. VCF-style: chr6-7579980-A-T. GRCh37 (hg19) VCF-style: chr6-7580213-A-T.
Other names: c.3790A>T, p.Thr1264Ser (NM_001319034.2); c.3582+208A>T (NM_001008844.3); short protein forms T1264S.
Identifiers: ClinVar variation 4756456 (VCV004756456.1).
Genomic context (GRCh38, chr6:7,579,980, plus strand): 5'-AGGGAAAATCGAGATCTGAAGGATGAAATTGTCAGGCTCAATGACAGCATCTTGCAGGCC[A>T]CTGAGCAGCGAAGGCGAGCTGAAGAAAACGCCCTTCAGCAAAAGGCCTGTGGCTCTGAGA-3'
Protein context (NP_004406.2, residues 1254-1274): VRLNDSILQA[Thr1264Ser]EQRRRAEENA

ClinVar aggregate classification (germline): Uncertain significance (1 of 4 stars; one submission).

Conditions:
Cardiomyopathy (CMYO). Also called: Cardiomyopathies. Identifiers: Orphanet 167848, MedGen C0878544, MONDO:0004994, HP:0001638. Inheritance: Various modes of inheritance.

Submission:

Color Diagnostics, LLC DBA Color Health
Classification: Uncertain significance for Cardiomyopathy. Last evaluated: 2025-09-18. Review status: criteria provided, single submitter. Criteria: ACMG Guidelines, 2015. Collection method: clinical testing. Allele origin: germline.
Comment: This missense variant replaces threonine with serine at codon 1264 of the DSP protein. Computational prediction suggests that this variant may not impact protein structure and function. To our knowledge, functional studies have not been reported for this variant. This variant has not been reported in individuals affected with DSP-related disorders in the literature. This variant has been identified in 1/250830 chromosomes in the general population by the Genome Aggregation Database (gnomAD). The available evidence is insufficient to determine the role of this variant in disease conclusively. Therefore, this variant is classified as a Variant of Uncertain Significance.